The following is an entry in ClinVar:

ClinVar aggregate classification (germline): Likely benign (1 of 4 stars; one submission).

Submission:

CeGaT Center for Human Genetics Tuebingen
Classification: Likely benign. Last evaluated: 2025-08-01. Review status: criteria provided, single submitter. Criteria: CeGaT Center For Human Genetics Tuebingen Variant Classification Criteria Version 2. Collection method: clinical testing. Allele origin: germline. Affected: yes. Observed: 1 variant allele.
Comment: NLGN3: BS2

NC_000023.11:g.71171547CTC[4]

Gene: NLGN3 (neuroligin 3; plus strand). Cytogenetic location: Xq13.1.
Variant type: Microsatellite.
Genome position: GRCh38 VCF-style: chrX-71171546-TCTC-T. GRCh37 (hg19) VCF-style: chrX-70391396-TCTC-T.
Identifiers: ClinVar variation 4083825 (VCV004083825.8).